The following is an entry in ClinVar:

NM_000057.4(BLM):c.449C>T (p.Thr150Ile)

Gene: BLM (BLM RecQ like helicase; plus strand). Cytogenetic location: 15q26.1.
Variant type: single nucleotide variant.
Coding change: c.449C>T on transcript NM_000057.4 (MANE Select); coding-DNA position 449, C replaced by T.
Protein change: p.Thr150Ile; replaces threonine 150 with isoleucine.
Molecular consequence: missense variant. On other transcripts: 5 prime UTR variant (1).
Genome position (GRCh38, 1-based): chr15:90,749,717, C>T. VCF-style: chr15-90749717-C-T. GRCh37 (hg19) VCF-style: chr15-91292947-C-T.
Other names: c.449C>T, p.Thr150Ile (NM_001287246.2, NM_001287247.2); c.-843C>T (NM_001287248.2); short protein forms T150I.
Identifiers: ClinVar variation 1924000 (VCV001924000.3), dbSNP rs2151147367, ClinGen allele CA393840772.

ClinVar aggregate classification (germline): Uncertain significance. Review status: criteria provided, multiple submitters, no conflicts (2 of 4 stars). 2 submissions from 2 submitters: Uncertain significance (2). Last evaluated 2024-09-02.

Conditions:
Hereditary cancer-predisposing syndrome. Also called: Hereditary Cancer Syndrome; Hereditary neoplastic syndrome; Neoplastic Syndromes, Hereditary; Tumor predisposition. Identifiers: Orphanet 140162, MedGen C0027672, MeSH D009386, MONDO:0015356.
Bloom syndrome (BLM). Also called: Bloom-Torre-Machacek syndrome. Identifiers: Orphanet 125, MedGen C0005859, MONDO:0008876, OMIM 210900.

Submissions (2):

Ambry Genetics
Classification: Uncertain significance for Hereditary cancer-predisposing syndrome. Last evaluated: 2024-09-02. Review status: criteria provided, single submitter. Criteria: Ambry Variant Classification Scheme 2023. Collection method: clinical testing. Allele origin: germline.
Comment: The p.T150I variant (also known as c.449C>T), located in coding exon 2 of the BLM gene, results from a C to T substitution at nucleotide position 449. The threonine at codon 150 is replaced by isoleucine, an amino acid with similar properties. This amino acid position is conserved. In addition, this alteration is predicted to be tolerated by in silico analysis. Based on the available evidence, the clinical significance of this variant remains unclear.

Labcorp Genetics (formerly Invitae), Labcorp
Classification: Uncertain significance for Bloom syndrome. Last evaluated: 2022-02-01. Review status: criteria provided, single submitter. Criteria: Invitae Variant Classification Sherloc (09022015). Collection method: clinical testing. Allele origin: germline.
Comment: This sequence change replaces threonine, which is neutral and polar, with isoleucine, which is neutral and non-polar, at codon 150 of the BLM protein (p.Thr150Ile). This variant is not present in population databases (gnomAD no frequency). This variant has not been reported in the literature in individuals affected with BLM-related conditions. Algorithms developed to predict the effect of missense changes on protein structure and function (SIFT, PolyPhen-2, Align-GVGD) all suggest that this variant is likely to be tolerated. In summary, the available evidence is currently insufficient to determine the role of this variant in disease. Therefore, it has been classified as a Variant of Uncertain Significance.